The following is an entry in ClinVar:

ClinVar aggregate classification (germline): Uncertain significance (1 of 4 stars; one submission).

Conditions:
CHARGE syndrome (CHARGE). Also called: Hittner Hirsch Kreh syndrome; CHARGE ASSOCIATION--COLOBOMA, HEART ANOMALY, CHOANAL ATRESIA, RETARDATION, GENITAL AND EAR ANOMALIES; Coloboma, heart anomaly, choanal atresia, retardation, genital and ear anomalies; CHARGE association; Hall-Hittner syndrome. Identifiers: Orphanet 138, MedGen C0265354, MONDO:0008965.

gnomAD v4.1: 2 of 1,613,180 alleles (0.00012%); highest among the groups gnomAD compares: Non-Finnish European, 0.00017%; no homozygotes.

Submission:

Labcorp Genetics (formerly Invitae), Labcorp
Classification: Uncertain significance for CHARGE syndrome. Last evaluated: 2024-03-16. Review status: criteria provided, single submitter. Criteria: Invitae Variant Classification Sherloc (09022015). Collection method: clinical testing. Allele origin: germline.
Comment: This sequence change replaces glycine, which is neutral and non-polar, with valine, which is neutral and non-polar, at codon 2500 of the CHD7 protein (p.Gly2500Val). This variant is present in population databases (no rsID available, gnomAD 0.007%). This variant has not been reported in the literature in individuals affected with CHD7-related conditions. ClinVar contains an entry for this variant (Variation ID: 2147367). Advanced modeling of protein sequence and biophysical properties (such as structural, functional, and spatial information, amino acid conservation, physicochemical variation, residue mobility, and thermodynamic stability) performed at Invitae indicates that this missense variant is expected to disrupt CHD7 protein function with a positive predictive value of 80%. In summary, the available evidence is currently insufficient to determine the role of this variant in disease. Therefore, it has been classified as a Variant of Uncertain Significance.

NM_017780.4(CHD7):c.7499G>T (p.Gly2500Val)

Gene: CHD7 (chromodomain helicase DNA binding protein 7; plus strand). Cytogenetic location: 8q12.2.
Variant type: single nucleotide variant.
Coding change: c.7499G>T on transcript NM_017780.4 (MANE Select); coding-DNA position 7499, G replaced by T.
Protein change: p.Gly2500Val; replaces glycine 2500 with valine.
Molecular consequence: missense variant. On other transcripts: intron variant (1).
Genome position (GRCh38, 1-based): chr8:60,856,779, G>T. VCF-style: chr8-60856779-G-T. GRCh37 (hg19) VCF-style: chr8-61769338-G-T.
Other names: c.1717-5450G>T (NM_001316690.1); short protein forms G2500V.
Identifiers: ClinVar variation 2147367 (VCV002147367.4), dbSNP rs1435775458, ClinGen allele CA371302053.